The following is an entry in ClinVar:

NM_002775.5(HTRA1):c.645C>G (p.Ile215Met)

Gene: HTRA1 (HtrA serine peptidase 1; plus strand). Cytogenetic location: 10q26.13.
Variant type: single nucleotide variant.
Coding change: c.645C>G on transcript NM_002775.5 (MANE Select); coding-DNA position 645, C replaced by G.
Protein change: p.Ile215Met; replaces isoleucine 215 with methionine.
Molecular consequence: missense variant.
Genome position (GRCh38, 1-based): chr10:122,489,494, C>G. VCF-style: chr10-122489494-C-G. GRCh37 (hg19) VCF-style: chr10-124249010-C-G.
Other names: short protein forms I215M.
Identifiers: ClinVar variation 3343643 (VCV003343643.2).

ClinVar aggregate classification (germline): Uncertain significance (1 of 4 stars; one submission).

Submission:

GeneDx
Classification: Uncertain significance. Last evaluated: 2025-09-04. Review status: criteria provided, single submitter. Criteria: GeneDx Variant Classification Process June 2021. Collection method: clinical testing. Allele origin: germline.
Comment: Not observed at significant frequency in large population cohorts (gnomAD); In silico analysis supports that this missense variant has a deleterious effect on protein structure/function; Has not been previously published as pathogenic or benign to our knowledge